The following is an entry in ClinVar:

ClinVar aggregate classification (germline): Uncertain significance. Review status: criteria provided, single submitter (1 of 4 stars). 2 submissions from 2 submitters: Uncertain significance (1). 1 of the submissions does not count toward it. Last evaluated 2025-08-02.

Conditions:
DRD4-related disorder. Also called: DRD4-related condition.

Allele frequency attached by ClinVar (database versions not stated): gnomAD exomes 0.00006; gnomAD 0.00070; TOPMed 0.00070; 1000 Genomes Project 0.00140.

Submissions (2):

Ambry Genetics
Classification: Uncertain significance. Last evaluated: 2025-08-02. Review status: criteria provided, single submitter. Criteria: Ambry Variant Classification Scheme 2023. Collection method: clinical testing. Allele origin: germline.

PreventionGenetics, part of Exact Sciences
Classification: Likely benign for DRD4-related condition. Last evaluated: 2019-08-12. Review status: no assertion criteria provided. Collection method: clinical testing. Allele origin: germline. Not counted in ClinVar's aggregate classification.
Comment: This variant is classified as likely benign based on ACMG/AMP sequence variant interpretation guidelines (Richards et al. 2015 PMID: 25741868, with internal and published modifications).

NM_000797.4(DRD4):c.955G>A (p.Ala319Thr)

Gene: DRD4 (dopamine receptor D4; plus strand). Cytogenetic location: 11p15.5.
Variant type: single nucleotide variant.
Coding change: c.955G>A on transcript NM_000797.4 (MANE Select); coding-DNA position 955, G replaced by A.
Protein change: p.Ala319Thr; replaces alanine 319 with threonine.
Molecular consequence: missense variant.
Genome position (GRCh38, 1-based): chr11:640,204, G>A. VCF-style: chr11-640204-G-A. GRCh37 (hg19) VCF-style: chr11-640204-G-A.
Other names: short protein forms A319T.
Identifiers: ClinVar variation 3035356 (VCV003035356.3), dbSNP rs529779269, ClinGen allele CA216943558.